The following is an entry in ClinVar:

ClinVar aggregate classification (germline): Pathogenic/Likely pathogenic. Review status: criteria provided, multiple submitters, no conflicts (2 of 4 stars). 2 submissions from 2 submitters: Pathogenic (1); Likely pathogenic (1). Last evaluated 2026-06-15.

Conditions:
Cardiovascular phenotype. Identifiers: MedGen CN230736.
Arrhythmogenic right ventricular dysplasia 9 (ARVD9). Also called: Arrhythmogenic Right Ventricular Dysplasia/Cardiomyopathy 9; ARRHYTHMOGENIC RIGHT VENTRICULAR DYSPLASIA, FAMILIAL, 9. Identifiers: MedGen C1836906, MONDO:0012180, OMIM 609040.

gnomAD v4.1: 1 of 1,586,284 alleles (0.000063%); highest among the groups gnomAD compares: Non-Finnish European, 0.000085%; no homozygotes.

Submissions (2):

Ambry Genetics
Classification: Pathogenic for Cardiovascular phenotype. Last evaluated: 2026-06-15. Review status: criteria provided, single submitter. Criteria: Ambry Variant Classification Scheme 2023. Collection method: clinical testing. Allele origin: germline.
Comment: The p.Q61* pathogenic mutation (also known as c.181C>T), located in coding exon 1 of the PKP2 gene, results from a C to T substitution at nucleotide position 181. This changes the amino acid from a glutamine to a stop codon within coding exon 1. This variant is considered to be rare based on population cohorts in the Genome Aggregation Database (gnomAD). This alteration is expected to result in loss of function by premature protein truncation or nonsense-mediated mRNA decay. As such, this alteration is interpreted as a disease-causing mutation.

Institute of Human Genetics, University of Leipzig Medical Center
Classification: Likely pathogenic for Arrhythmogenic right ventricular dysplasia 9. Last evaluated: 2025-03-26. Review status: criteria provided, single submitter. Criteria: ACMG Guidelines, 2015. Collection method: clinical testing. Allele origin: unknown. Inheritance: Autosomal dominant inheritance. Affected: yes.
Comment: Criteria applied: PVS1,PM2_SUP

NM_001005242.3(PKP2):c.181C>T (p.Gln61Ter)

Gene: PKP2 (plakophilin 2; minus strand). Cytogenetic location: 12p11.21.
Variant type: single nucleotide variant.
Coding change: c.181C>T on transcript NM_001005242.3 (MANE Select); coding-DNA position 181, C replaced by T.
Protein change: p.Gln61Ter; replaces glutamine 61 with a stop codon.
Molecular consequence: nonsense. On other transcripts: 5 prime UTR variant (4).
Genome position (GRCh38, 1-based): chr12:32,896,551, G>A on the plus strand (C>T on the coding strand, the complement: PKP2 is on the minus strand). VCF-style: chr12-32896551-G-A. GRCh37 (hg19) VCF-style: chr12-33049485-G-A.
Other names: c.181C>T, p.Gln61Ter (NM_001407156.1, NM_001407157.1, NM_001407161.1 and 2 more transcripts); c.-646C>T (NM_001407158.1, NM_001407162.1); c.-410C>T (NM_001407159.1, NM_001407160.1); short protein forms Q61*.
Identifiers: ClinVar variation 3778733 (VCV003778733.2).